The following is an entry in ClinVar:

NM_025216.3(WNT10A):c.149C>T (p.Pro50Leu)

Gene: WNT10A (Wnt family member 10A; plus strand). Cytogenetic location: 2q35.
Variant type: single nucleotide variant.
Coding change: c.149C>T on transcript NM_025216.3 (MANE Select); coding-DNA position 149, C replaced by T.
Protein change: p.Pro50Leu; replaces proline 50 with leucine.
Molecular consequence: missense variant.
Genome position (GRCh38, 1-based): chr2:218,882,196, C>T. VCF-style: chr2-218882196-C-T. GRCh37 (hg19) VCF-style: chr2-219746918-C-T.
Other names: short protein forms P50L.
Identifiers: ClinVar variation 334393 (VCV000334393.16), dbSNP rs199980023, ClinGen allele CA2113843.

ClinVar aggregate classification (germline): Conflicting classifications of pathogenicity. Review status: criteria provided, conflicting classifications (1 of 4 stars). 5 submissions from 3 submitters: Uncertain significance (4); Likely benign (1). Last evaluated 2025-11-27.

Conditions:
Ectodermal dysplasia WNT10A related. Identifiers: MedGen CN305516, MONDO:0100358.
Tooth agenesis, selective, 4 (STHAG4). Also called: SUCCEDANEOUS TEETH, AGENESIS OF; LATERAL INCISORS, ABSENCE OF; LATERAL INCISORS, PEGGED OR MISSING; TOOTH AGENESIS, SELECTIVE, 4, WITH OR WITHOUT ECTODERMAL DYSPLASIA. Identifiers: Orphanet 99798, MedGen C1835492, MONDO:0007881, OMIM 150400. Disease mechanism: loss of function.
Odonto-onycho-dermal dysplasia. Identifiers: Orphanet 2721, MedGen C0796093, MONDO:0009773, OMIM 257980.
Schöpf-Schulz-Passarge syndrome. Also called: ECCRINE TUMORS WITH ECTODERMAL DYSPLASIA; KERATOSIS PALMOPLANTARIS WITH CYSTIC EYELIDS, HYPODONTIA, AND HYPOTRICHOSIS; SchC6pf-Schulz-Passarge syndrome. Identifiers: Orphanet 50944, MedGen C1857069, MONDO:0009145, OMIM 224750.

Allele frequency attached by ClinVar (database versions not stated): ESP Exome Variant Server 0.00008; gnomAD 0.00010 and 0.00011; TOPMed 0.00012.

Submissions (5):

Labcorp Genetics (formerly Invitae), Labcorp
Classification: Likely benign for Tooth agenesis, selective, 4; Odonto-onycho-dermal dysplasia. Last evaluated: 2025-11-27. Review status: criteria provided, single submitter. Criteria: Invitae Variant Classification Sherloc (09022015). Collection method: clinical testing. Allele origin: germline.

Victorian Clinical Genetics Services, Murdoch Childrens Research Institute
Classification: Uncertain significance for Ectodermal dysplasia WNT10A related. Last evaluated: 2025-05-01. Review status: criteria provided, single submitter. Criteria: ACMG Guidelines, 2015. Collection method: clinical testing. Allele origin: germline. Affected: yes.
Comment: This variant is classified as VUS-3B. Evidence in support of pathogenic classification: Variant is present in gnomAD <0.01 (v4: 513 heterozygote(s), 0 homozygote(s)). Additional information: Variant is predicted to result in a missense amino acid change from proline to leucine; This variant is heterozygous; This gene is associated with both recessive and dominant disease. Milder phenotypes are associated with dominant inheritance (OMIM, PMIDs: 19559398, 30426266); Alternative amino acid change(s) at the same position are present in gnomAD (Highest allele count: v2: 4 heterozygote(s), 0 homozygote(s)); Previous reports of pathogenicity for this variant are conflicting. This variant has been classified both as a VUS and likely benign by clinical laboratories in ClinVar; No published segregation evidence has been identified for this variant; No published functional evidence has been identified for this variant; No comparable missense variants have previous evidence for pathogenicity; Variant is not located in an established domain, motif, hotspot or informative constraint region; Missense variant with inconclusive in silico prediction and uninformative conservation; Loss of function is a known mechanism of disease in this gene and is associated with odontoonychodermal dysplasia (MIM#257980), Schopf-Schulz-Passarge syndrome (MIM#224750) and selective tooth agenesis 4 (MIM#150400); The condition associated with this gene has incomplete penetrance (OMIM, PMIDs: 19559398, 30426266); Variants in this gene are known to have variable expressivity. The same variants have been associated with all three OMIM phenotypes, with both dominant and recessive inheritance, and there is a high degree of variability of phenotypic expression (OMIM, PMIDs: 19559398, 30426266); Inheritance information for this variant is not currently available in this individual.

Illumina Laboratory Services, Illumina
Classification: Uncertain significance for Schöpf-Schulz-Passarge syndrome. Last evaluated: 2018-01-13. Review status: criteria provided, single submitter. Criteria: ICSL Variant Classification Criteria 13 December 2019. Collection method: clinical testing. Allele origin: germline.

Illumina Laboratory Services, Illumina
Classification: Uncertain significance for Odonto-onycho-dermal dysplasia. Last evaluated: 2018-01-13. Review status: criteria provided, single submitter. Criteria: ICSL Variant Classification Criteria 13 December 2019. Collection method: clinical testing. Allele origin: germline.

Illumina Laboratory Services, Illumina
Classification: Uncertain significance for Tooth agenesis, selective, 4. Last evaluated: 2018-01-13. Review status: criteria provided, single submitter. Criteria: ICSL Variant Classification Criteria 13 December 2019. Collection method: clinical testing. Allele origin: germline.

Literature cited by the submitters: PubMed 19559398 (cited by Victorian Clinical Genetics Services, Murdoch Childrens Research Institute); PubMed 30426266 (cited by Victorian Clinical Genetics Services, Murdoch Childrens Research Institute).